The following is an entry in ClinVar:

ClinVar aggregate classification (germline): Pathogenic/Likely pathogenic. Review status: criteria provided, multiple submitters, no conflicts (2 of 4 stars). 2 submissions from 2 submitters: Pathogenic (1); Likely pathogenic (1). Last evaluated 2017-06-15.

Conditions:
Hereditary spastic paraplegia 4. Also called: Spastic Paraplegia 4; Familial spastic paraplegia autosomal dominant 2; Spastic paraplegia 4, autosomal dominant. Identifiers: Orphanet 100985, MedGen C1866855, MONDO:0008438, OMIM 182601.

Submissions (2):

GeneDx
Classification: Likely pathogenic. Last evaluated: 2017-06-15. Review status: criteria provided, single submitter. Criteria: GeneDx Variant Classification (06012015). Collection method: clinical testing. Allele origin: germline. Affected: yes.
Comment: A variant that is likely pathogenic has been identified in the SPAST gene. The L371R variant has not been published as a pathogenic variant, nor has it been reported as a benign variant to our knowledge. The L371R variant is not observed in large population cohorts (Lek et al., 2016; 1000 Genomes Consortium et al., 2015; Exome Variant Server). The L371R variant is a non-conservative amino acid substitution, which is likely to impact secondary protein structure as these residues differ in polarity, charge, size and/or other properties. This substitution occurs at a conserved position predicted to be within the AAA ATPase domain, and a different missense variant in the same residue (L371F) as well as multiple missense variants in nearby residues have been reported in the Human Gene Mutation Database in association with spastic paraplegia (Stenson et al., 2014), supporting the functional importance of this region of the protein. In silico analysis predicts this variant is probably damaging to the protein structure/function. Therefore, this variant is likely pathogenic; however, the possibility that it is benign cannot be excluded.

Paris Brain Institute, Inserm - ICM
Classification: Pathogenic for Hereditary spastic paraplegia 4. Review status: criteria provided, single submitter. Criteria: ACMG Guidelines, 2015. Collection method: clinical testing. Allele origin: unknown. Affected: yes. Observed: 1 variant allele.

NM_014946.4(SPAST):c.1112T>G (p.Leu371Arg)

Gene: SPAST (spastin; plus strand). Cytogenetic location: 2p22.3.
Variant type: single nucleotide variant.
Coding change: c.1112T>G on transcript NM_014946.4 (MANE Select); coding-DNA position 1112, T replaced by G.
Protein change: p.Leu371Arg; replaces leucine 371 with arginine.
Molecular consequence: missense variant.
Genome position (GRCh38, 1-based): chr2:32,126,961, T>G. VCF-style: chr2-32126961-T-G. GRCh37 (hg19) VCF-style: chr2-32352030-T-G.
Other names: c.1109T>G, p.Leu370Arg (NM_001363823.2); c.1013T>G, p.Leu338Arg (NM_001363875.2); c.1016T>G, p.Leu339Arg (NM_001377959.1, NM_199436.2); short protein forms L371R, L338R, L339R, L370R.
Identifiers: ClinVar variation 432721 (VCV000432721.6), dbSNP rs1553316806, ClinGen allele CA346501219.
Genomic context (GRCh38, chr2:32,126,961, plus strand): 5'-AAATGTCTCTAGAATCATAGTTGTAAACTAAAGTATATATTTTTTAGTTGTTCACAGGGC[T>G]TAGAGCTCCTGCCAGAGGGCTGTTACTCTTTGGTCCACCTGGGAATGGGAAGACAATGCT-3'
Protein context (NP_055761.2, residues 361-381): PSLRPELFTG[Leu371Arg]RAPARGLLLF